The following is an entry in ClinVar:

ClinVar aggregate classification (germline): Uncertain significance (1 of 4 stars; one submission).

Allele frequency attached by ClinVar (database versions not stated): gnomAD exomes below 0.00001 and 0.00001; ExAC 0.00001.
gnomAD v4.1: 2 of 1,598,844 alleles (0.00013%); highest among the groups gnomAD compares: Admixed American, 0.0034%; no homozygotes.

Submission:

Labcorp Genetics (formerly Invitae), Labcorp
Classification: Uncertain significance. Last evaluated: 2025-12-08. Review status: criteria provided, single submitter. Criteria: Invitae Variant Classification Sherloc (09022015). Collection method: clinical testing. Allele origin: germline.
Comment: This sequence change replaces proline, which is neutral and non-polar, with leucine, which is neutral and non-polar, at codon 414 of the SLC13A3 protein (p.Pro414Leu). The frequency data for this variant in the population databases is considered unreliable, as metrics indicate poor data quality at this position in the gnomAD database. This variant has not been reported in the literature in individuals affected with SLC13A3-related conditions. ClinVar contains an entry for this variant (Variation ID: 1501197). Invitae Evidence Modeling of protein sequence and biophysical properties (such as structural, functional, and spatial information, amino acid conservation, physicochemical variation, residue mobility, and thermodynamic stability) has been performed for this missense variant. However, the output from this modeling did not meet the statistical confidence thresholds required to predict the impact of this variant on SLC13A3 protein function. In summary, the available evidence is currently insufficient to determine the role of this variant in disease. Therefore, it has been classified as a Variant of Uncertain Significance.

NM_022829.6(SLC13A3):c.1241C>T (p.Pro414Leu)

Gene: SLC13A3 (solute carrier family 13 member 3; minus strand). Cytogenetic location: 20q13.12.
Variant type: single nucleotide variant.
Coding change: c.1241C>T on transcript NM_022829.6 (MANE Select); coding-DNA position 1241, C replaced by T.
Protein change: p.Pro414Leu; replaces proline 414 with leucine.
Molecular consequence: missense variant.
Genome position (GRCh38, 1-based): chr20:46,575,664, G>A on the plus strand (C>T on the coding strand, the complement: SLC13A3 is on the minus strand). VCF-style: chr20-46575664-G-A. GRCh37 (hg19) VCF-style: chr20-45204303-G-A.
Other names: c.1100C>T, p.Pro367Leu (NM_001011554.3); c.1091C>T, p.Pro364Leu (NM_001193339.2); c.995C>T, p.Pro332Leu (NM_001193340.2); c.947C>T, p.Pro316Leu (NM_001193342.2); short protein forms P364L, P316L, P367L, P414L, P332L.
Identifiers: ClinVar variation 1501197 (VCV001501197.6), dbSNP rs748581374, ClinGen allele CA9891347.
Genomic context (GRCh38, chr20:46,575,664, plus strand): 5'-CCCAGGAGAAGGATGATGTTCCAGGGCACTGTCTCCTGGGCCTTCTTCCAGGTCAGCAAG[G>A]GCTCTGTCTCTGTGTTGGGAGCTGGGCAGAGAGAGGGATTCAGCACACACTCAGGGCCGC-3'
Protein context (NP_073740.2, residues 404-424): DFKAPNTETE[Pro414Leu]LLTWKKAQET